The following is an entry in ClinVar:

NM_000104.4(CYP1B1):c.1453T>C (p.Ser485Pro)

Gene: CYP1B1 (cytochrome P450 family 1 subfamily B member 1; minus strand). Cytogenetic location: 2p22.2.
Variant type: single nucleotide variant.
Coding change: c.1453T>C on transcript NM_000104.4 (MANE Select); coding-DNA position 1453, T replaced by C.
Protein change: p.Ser485Pro; replaces serine 485 with proline.
Molecular consequence: missense variant.
Genome position (GRCh38, 1-based): chr2:38,070,901, A>G on the plus strand (T>C on the coding strand, the complement: CYP1B1 is on the minus strand). VCF-style: chr2-38070901-A-G. GRCh37 (hg19) VCF-style: chr2-38298044-A-G.
Other names: short protein forms S485P.
Identifiers: ClinVar variation 3079388 (VCV003079388.2), dbSNP rs2465878424, ClinGen allele CA346327124.

ClinVar aggregate classification (germline): Uncertain significance (1 of 4 stars; one submission).

Conditions:
Inborn genetic diseases. Identifiers: MedGen C0950123, MeSH D030342.

Submission:

Ambry Genetics
Classification: Uncertain significance for Inborn genetic diseases. Last evaluated: 2024-04-26. Review status: criteria provided, single submitter. Criteria: Ambry Variant Classification Scheme 2023. Collection method: clinical testing. Allele origin: germline.
Comment: The c.1453T>C (p.S485P) alteration is located in exon 3 (coding exon 2) of the CYP1B1 gene. This alteration results from a T to C substitution at nucleotide position 1453, causing the serine (S) at amino acid position 485 to be replaced by a proline (P). This variant was not reported in population-based cohorts in the Genome Aggregation Database (gnomAD). Another alteration at the same codon, c.1454C>T (p.S485F), has been detected in multiple individuals with corneal enlargement with variable haze/scarring evident (Khan, 2011). This amino acid position is not well conserved in available vertebrate species. The in silico prediction for this alteration is inconclusive. Based on insufficient or conflicting evidence, the clinical significance of this alteration remains unclear.

Literature cited by the submitters: PubMed 21306220; PubMed 25646030.